The following is an entry in ClinVar:

NM_178012.5(TUBB2B):c.952C>G (p.Arg318Gly)

Gene: TUBB2B (tubulin beta 2B class IIb; minus strand). Cytogenetic location: 6p25.2.
Variant type: single nucleotide variant.
Coding change: c.952C>G on transcript NM_178012.5 (MANE Select); coding-DNA position 952, C replaced by G.
Protein change: p.Arg318Gly; replaces arginine 318 with glycine.
Molecular consequence: missense variant.
Genome position (GRCh38, 1-based): chr6:3,225,137, G>C on the plus strand (C>G on the coding strand, the complement: TUBB2B is on the minus strand). VCF-style: chr6-3225137-G-C. GRCh37 (hg19) VCF-style: chr6-3225371-G-C.
Other names: short protein forms R318G.
Identifiers: ClinVar variation 1314982 (VCV001314982.4), dbSNP rs2113819009, ClinGen allele CA362586321.

ClinVar aggregate classification (germline): Likely pathogenic (1 of 4 stars; one submission).

Submission:

GeneDx
Classification: Likely pathogenic. Last evaluated: 2026-09-17. Review status: criteria provided, single submitter. Criteria: GeneDx Variant Classification Process June 2021. Collection method: clinical testing. Allele origin: germline.
Comment: Not observed at significant frequency in large population cohorts (gnomAD); Missense variants in this gene are a common cause of disease and they are underrepresented in the general population; In silico analysis supports that this missense variant has a deleterious effect on protein structure/function; Has not been previously published as pathogenic or benign to our knowledge; This variant is associated with the following publications: (PMID: 27010057)